The following is an entry in ClinVar:

NM_007055.4(POLR3A):c.186G>A (p.Thr62=)

Genes: POLR3A (RNA polymerase III subunit A; minus strand), LOC126860971 (CDK7 strongly-dependent group 2 enhancer GRCh37_chr10:79784551-79785750; plus strand). Cytogenetic location: 10q22.3.
Variant type: single nucleotide variant.
Coding change: c.186G>A on transcript NM_007055.4 (MANE Select); coding-DNA position 186, G replaced by A.
Protein change: p.Thr62=; no amino-acid change (threonine 62 retained).
Molecular consequence: synonymous variant.
Genome position (GRCh38, 1-based): chr10:78,025,754, C>T on the plus strand (G>A on the coding strand, the complement: POLR3A is on the minus strand). VCF-style: chr10-78025754-C-T. GRCh37 (hg19) VCF-style: chr10-79785512-C-T.
Identifiers: ClinVar variation 715238 (VCV000715238.37), dbSNP rs140901011, ClinGen allele CA5571765.
Genomic context (GRCh38, chr10:78,025,754, plus strand): 5'-GTGGCCTAGACAGTCAGCCAAGTTTTTCCCACAGGTTTCACATGGACGATCCTTCTCACT[C>T]GTACCCTTTGAAAAAAAGCACACCCAATGATCAACACAGACTGCTGGACGGGAAAGAGTG-3'
Protein context (NP_008986.2, residues 52-72): LYGVLDHRMG[Thr62=]SEKDRPCETC

ClinVar aggregate classification (germline): Conflicting classifications of pathogenicity. Review status: criteria provided, conflicting classifications (1 of 4 stars). 4 submissions from 4 submitters: Uncertain significance (1); Likely benign (3). Last evaluated 2025-10-15.

Conditions:
Leukodystrophy, hypomyelinating, 7, with or without oligodontia and/or hypogonadotropic hypogonadism (HLD7). Also called: Ataxia, Delayed Dentition and Hypomyelination (ADDH); LEUKOENCEPHALOPATHY, HYPOMYELINATING, WITH ATAXIA AND DELAYED DENTITION; ATAXIA, DELAYED DENTITION, AND HYPOMYELINATION; LEUKODYSTROPHY, HYPOMYELINATING, 7, WITH OLIGODONTIA; LEUKODYSTROPHY, HYPOMYELINATING, 7, WITH OLIGODONTIA AND HYPOGONADOTROPIC HYPOGONADISM; LEUKODYSTROPHY, HYPOMYELINATING, 7, WITHOUT OLIGODONTIA OR HYPOGONADOTROPIC HYPOGONADISM. Identifiers: Orphanet 137639, Orphanet 447893, Orphanet 447896, Orphanet 77295, Orphanet 88637, MedGen CN034185, MONDO:0011897, OMIM 607694.

Allele frequency attached by ClinVar (database versions not stated): TOPMed 0.00028; ExAC 0.00031; ESP Exome Variant Server 0.00031; gnomAD 0.00032 and 0.00034; gnomAD exomes 0.00037 and 0.00054.
gnomAD v4.1: 838 of 1,614,068 alleles (0.052%); highest among the groups gnomAD compares: Non-Finnish European, 0.061%; no homozygotes.

Submissions (4):

Labcorp Genetics (formerly Invitae), Labcorp
Classification: Likely benign. Last evaluated: 2025-10-15. Review status: criteria provided, single submitter. Criteria: Invitae Variant Classification Sherloc (09022015). Collection method: clinical testing. Allele origin: germline.

Blueprint Genetics
Classification: Likely benign. Last evaluated: 2024-09-20. Review status: criteria provided, single submitter. Criteria: ACMG Guidelines, 2015. Collection method: clinical testing. Allele origin: germline.

CeGaT Center for Human Genetics Tuebingen
Classification: Likely benign. Last evaluated: 2024-01-01. Review status: criteria provided, single submitter. Criteria: CeGaT Center For Human Genetics Tuebingen Variant Classification Criteria Version 2. Collection method: clinical testing. Allele origin: germline. Affected: yes. Observed: 1 variant allele.
Comment: POLR3A: BP4, BP7

Illumina Laboratory Services, Illumina
Classification: Uncertain significance for Leukodystrophy, hypomyelinating, 7, with or without oligodontia and/or hypogonadotropic hypogonadism. Last evaluated: 2018-01-13. Review status: criteria provided, single submitter. Criteria: ICSL Variant Classification Criteria 13 December 2019. Collection method: clinical testing. Allele origin: germline.